The following is an entry in ClinVar:

ClinVar aggregate classification (germline): Conflicting classifications of pathogenicity. Review status: criteria provided, conflicting classifications (1 of 4 stars). 10 submissions from 5 submitters: Uncertain significance (3); Likely benign (6). 1 of the submissions does not count toward it. Last evaluated 2025-09-22.

Conditions:
Retinitis pigmentosa (RP). Identifiers: Orphanet 791, MedGen C0035334, MeSH D012174, MONDO:0019200, OMIM 268000. Inheritance: Autosomal dominant, autosomal recessive and X linked inheritance.
Patterned macular dystrophy 1. Also called: BUTTERFLY DYSTROPHY OF RETINAL PIGMENT EPITHELIUM; MACULAR DYSTROPHY, BUTTERFLY-SHAPED PIGMENTARY. Identifiers: Orphanet 99001, MedGen C4551999, MONDO:0008210, OMIM 169150.
Adult-onset foveomacular vitelliform dystrophy. Also called: Adult onset vitelliform dystrophy; FOVEOMACULAR DYSTROPHY, ADULT-ONSET, WITH OR WITHOUT CHOROIDAL NEOVASCULARIZATION; FOVEOMACULAR DYSTROPHY, ADULT-ONSET. Identifiers: Orphanet 99000, MedGen C1842914, MONDO:0011979.
PRPH2-related disorder. Also called: PRPH2-related condition; PRPH2-related disorders. Identifiers: MedGen CN239395.
Retinal dystrophy. Also called: Inherited retinal dystrophy. Identifiers: Orphanet 71862, MedGen C0854723, MeSH D058499, MONDO:0019118, HP:0000556.
Choroidal dystrophy, central areolar 2 (CACD2). Also called: MACULAR DYSTROPHY, PROGRESSIVE; Choriodal Dystrophy, Central Areolar 2. Identifiers: Orphanet 75377, MedGen C2751290, MONDO:0013137, OMIM 613105.
Pigmentary retinal dystrophy. Also called: Fundus albipunctatus. Identifiers: Orphanet 227796, Orphanet 52427, MedGen C0311338, MONDO:0007639, OMIM 136880, HP:0030642.
Cone-rod dystrophy. Also called: Cone/cone-rod dystrophy; Cone-rod degeneration. Identifiers: Orphanet 1872, MedGen C4085590, MONDO:0015993, HP:0000548.

Allele frequency attached by ClinVar (database versions not stated): gnomAD 0.00005 and 0.00006; TOPMed 0.00005; gnomAD exomes 0.00007 and 0.00009; ExAC 0.00009.
gnomAD v4.1: 134 of 1,613,950 alleles (0.0083%); highest among the groups gnomAD compares: African/African-American, 0.011%; no homozygotes.

Submissions (10):

Labcorp Genetics (formerly Invitae), Labcorp
Classification: Likely benign for PRPH2-related disorder. Last evaluated: 2025-09-22. Review status: criteria provided, single submitter. Criteria: Invitae Variant Classification Sherloc (09022015). Collection method: clinical testing. Allele origin: germline.

PreventionGenetics, part of Exact Sciences
Classification: Likely benign for PRPH2-related condition. Last evaluated: 2025-05-13. Review status: criteria provided, single submitter. Criteria: ACMG Guidelines, 2015. Collection method: clinical testing. Allele origin: germline.
Comment: This variant is classified as likely benign based on ACMG/AMP sequence variant interpretation guidelines (Richards et al. 2015 PMID: 25741868, with internal and published modifications).

Blueprint Genetics
Classification: Likely benign. Last evaluated: 2022-12-14. Review status: criteria provided, single submitter. Criteria: ACMG Guidelines, 2015. Collection method: clinical testing. Allele origin: germline.

Illumina Laboratory Services, Illumina
Classification: Uncertain significance for Pigmentary retinal dystrophy. Last evaluated: 2018-01-12. Review status: criteria provided, single submitter. Criteria: ICSL Variant Classification Criteria 13 December 2019. Collection method: clinical testing. Allele origin: germline.

Illumina Laboratory Services, Illumina
Classification: Uncertain significance for Patterned macular dystrophy 1. Last evaluated: 2018-01-12. Review status: criteria provided, single submitter. Criteria: ICSL Variant Classification Criteria 13 December 2019. Collection method: clinical testing. Allele origin: germline.

Illumina Laboratory Services, Illumina
Classification: Uncertain significance for Retinitis pigmentosa. Last evaluated: 2018-01-12. Review status: criteria provided, single submitter. Criteria: ICSL Variant Classification Criteria 13 December 2019. Collection method: clinical testing. Allele origin: germline.

Illumina Laboratory Services, Illumina
Classification: Likely benign for Cone-rod dystrophy. Last evaluated: 2018-01-12. Review status: criteria provided, single submitter. Criteria: ICSL Variant Classification Criteria 13 December 2019. Collection method: clinical testing. Allele origin: germline.
Comment: This variant was observed in the ICSL laboratory as part of a predisposition screen in an ostensibly healthy population. It had not been previously curated by ICSL or reported in the Human Gene Mutation Database (HGMD: prior to June 1st, 2018), and was therefore a candidate for classification through an automated scoring system. Utilizing variant allele frequency, disease prevalence and penetrance estimates, and inheritance mode, an automated score was calculated to assess if this variant is too frequent to cause the disease. Based on the score and internal cut-off values, a variant classified as likely benign is not then subjected to further curation. The score for this variant resulted in a classification of likely benign for this disease.

Illumina Laboratory Services, Illumina
Classification: Likely benign for Choroidal dystrophy, central areolar 2. Last evaluated: 2018-01-12. Review status: criteria provided, single submitter. Criteria: ICSL Variant Classification Criteria 13 December 2019. Collection method: clinical testing. Allele origin: germline.
Comment: the same text as in the submission from Illumina Laboratory Services, Illumina above.

Illumina Laboratory Services, Illumina
Classification: Likely benign for Vitelliform macular dystrophy 3. Last evaluated: 2018-01-12. Review status: criteria provided, single submitter. Criteria: ICSL Variant Classification Criteria 13 December 2019. Collection method: clinical testing. Allele origin: germline.
Comment: the same text as in the submission from Illumina Laboratory Services, Illumina above.

Institute of Human Genetics, Univ. Regensburg, Univ. Regensburg
Classification: Uncertain significance for Retinal dystrophy. Last evaluated: 2019-01-01. Review status: no assertion criteria provided. Criteria: ACMG Guidelines, 2015. Collection method: clinical testing. Allele origin: germline. Affected: yes. Not counted in ClinVar's aggregate classification.

NM_000322.5(PRPH2):c.1008C>T (p.Gly336=)

Gene: PRPH2 (peripherin 2; minus strand). Cytogenetic location: 6p21.1.
Variant type: single nucleotide variant.
Coding change: c.1008C>T on transcript NM_000322.5 (MANE Select); coding-DNA position 1008, C replaced by T.
Protein change: p.Gly336=; no amino-acid change (glycine 336 retained).
Molecular consequence: synonymous variant.
Genome position (GRCh38, 1-based): chr6:42,698,328, G>A on the plus strand (C>T on the coding strand, the complement: PRPH2 is on the minus strand). VCF-style: chr6-42698328-G-A. GRCh37 (hg19) VCF-style: chr6-42666066-G-A.
Identifiers: ClinVar variation 356776 (VCV000356776.17), dbSNP rs752365478, ClinGen allele CA3808464.